The following is an entry in ClinVar:

ClinVar aggregate classification (germline): Likely benign (1 of 4 stars; one submission).

Allele frequency attached by ClinVar (database versions not stated): gnomAD exomes 0.00001.
gnomAD v4.1: 3 of 1,212,192 alleles (0.00025%); highest among the groups gnomAD compares: Non-Finnish European, 0.00033%; no homozygotes.

Submission:

CeGaT Center for Human Genetics Tuebingen
Classification: Likely benign. Last evaluated: 2022-11-01. Review status: criteria provided, single submitter. Criteria: CeGaT Center For Human Genetics Tuebingen Variant Classification Criteria Version 2. Collection method: clinical testing. Allele origin: germline. Affected: yes. Observed: 1 variant allele.
Comment: WDR44: PM2:Supporting, BP4, BP7

NM_019045.5(WDR44):c.393A>G (p.Glu131=)

Gene: WDR44 (WD repeat domain 44; plus strand). Cytogenetic location: Xq24.
Variant type: single nucleotide variant.
Coding change: c.393A>G on transcript NM_019045.5 (MANE Select); coding-DNA position 393, A replaced by G.
Protein change: p.Glu131=; no amino-acid change (glutamic acid 131 retained).
Molecular consequence: synonymous variant.
Genome position (GRCh38, 1-based): chrX:118,392,838, A>G. VCF-style: chrX-118392838-A-G. GRCh37 (hg19) VCF-style: chrX-117526801-A-G.
Other names: c.393A>G, p.Glu131= (NM_001184965.2); c.318A>G, p.Glu106= (NM_001184966.1).
Identifiers: ClinVar variation 2661261 (VCV002661261.24), dbSNP rs2521396631, ClinGen allele CA518450962.